The following is an entry in ClinVar:

ClinVar aggregate classification (germline): Uncertain significance (1 of 4 stars; one submission).

Submission:

Ambry Genetics
Classification: Uncertain significance. Last evaluated: 2026-09-08. Review status: criteria provided, single submitter. Criteria: Ambry Variant Classification Scheme 2023. Collection method: clinical testing. Allele origin: germline.
Comment: The p.R404S variant (also known as c.1210C>A), located in coding exon 9 of the RECQL gene, results from a C to A substitution at nucleotide position 1210. The arginine at codon 404 is replaced by serine, an amino acid with dissimilar properties. This amino acid position is conserved. In addition, this alteration is predicted to be deleterious by in silico analysis. Based on the available evidence, the clinical significance of this variant remains unclear.

NM_002907.4(RECQL):c.1210C>A (p.Arg404Ser)

Gene: RECQL (RecQ like helicase; minus strand). Cytogenetic location: 12p12.1.
Variant type: single nucleotide variant.
Coding change: c.1210C>A on transcript NM_002907.4 (MANE Select); coding-DNA position 1210, C replaced by A.
Protein change: p.Arg404Ser; replaces arginine 404 with serine.
Molecular consequence: missense variant.
Genome position (GRCh38, 1-based): chr12:21,475,474, G>T on the plus strand (C>A on the coding strand, the complement: RECQL is on the minus strand). VCF-style: chr12-21475474-G-T. GRCh37 (hg19) VCF-style: chr12-21628408-G-T.
Other names: c.1210C>A, p.Arg404Ser (NM_032941.3); short protein forms R404S.
Identifiers: ClinVar variation 5028066 (VCV005028066.1).